The following is an entry in ClinVar:

NM_001130438.3(SPTAN1):c.121G>T (p.Glu41Ter)

Gene: SPTAN1 (spectrin alpha, non-erythrocytic 1; plus strand). Cytogenetic location: 9q34.11.
Variant type: single nucleotide variant.
Coding change: c.121G>T on transcript NM_001130438.3 (MANE Select); coding-DNA position 121, G replaced by T.
Protein change: p.Glu41Ter; replaces glutamic acid 41 with a stop codon.
Molecular consequence: nonsense.
Genome position (GRCh38, 1-based): chr9:128,566,861, G>T. VCF-style: chr9-128566861-G-T. GRCh37 (hg19) VCF-style: chr9-131329140-G-T.
Other names: c.121G>T, p.Glu41Ter (NM_001195532.2, NM_001363759.2, NM_001363765.2 and 5 more transcripts); c.157G>T, p.Glu53Ter (NM_001375312.2, NM_001375318.1); short protein forms E41*, E53*.
Identifiers: ClinVar variation 3066258 (VCV003066258.1), dbSNP rs2540899815, ClinGen allele CA375049671.

ClinVar aggregate classification (germline): Likely pathogenic (1 of 4 stars; one submission).

Conditions:
Developmental and epileptic encephalopathy, 5 (DEE5). Identifiers: Orphanet 3451, MedGen C3150731, MONDO:0013277, OMIM 613477.

Submission:

MVZ Medizinische Genetik Mainz
Classification: Likely pathogenic for Developmental and epileptic encephalopathy, 5. Last evaluated: 2022-11-15. Review status: criteria provided, single submitter. Criteria: UK Practice Guidelines For Variant Classification V4 01 2020. Collection method: clinical testing. Allele origin: germline. Inheritance: Autosomal dominant inheritance. Affected: yes. Observed: 1 variant allele.
Comment: ACMG Criteria: PVS1, PM2_SUP (ACMG Version 4)